The following is an entry in ClinVar:

NM_021098.3(CACNA1H):c.3055C>T (p.Gln1019Ter)

Gene: CACNA1H (calcium voltage-gated channel subunit alpha1 H; plus strand). Cytogenetic location: 16p13.3.
Variant type: single nucleotide variant.
Coding change: c.3055C>T on transcript NM_021098.3 (MANE Select); coding-DNA position 3055, C replaced by T.
Protein change: p.Gln1019Ter; replaces glutamine 1019 with a stop codon.
Molecular consequence: nonsense.
Genome position (GRCh38, 1-based): chr16:1,207,422, C>T. VCF-style: chr16-1207422-C-T. GRCh37 (hg19) VCF-style: chr16-1257422-C-T.
Other names: c.3055C>T, p.Gln1019Ter (NM_001005407.2); short protein forms Q1019*.
Identifiers: ClinVar variation 3748579 (VCV003748579.2).

ClinVar aggregate classification (germline): Uncertain significance (1 of 4 stars; one submission).

Conditions:
Idiopathic generalized epilepsy. Also called: Generalised epilepsy; EIG. Identifiers: MedGen C0270850, MONDO:0005579, OMIM 600669.
Hyperaldosteronism, familial, type IV (HALD4). Also called: FH IV; ALDOSTERONISM, PRIMARY, AND HYPERTENSION. Identifiers: Orphanet 642671, MedGen C4310756, MONDO:0014875, OMIM 617027.

Submission:

Labcorp Genetics (formerly Invitae), Labcorp
Classification: Uncertain significance for Idiopathic generalized epilepsy; Hyperaldosteronism, familial, type IV. Last evaluated: 2024-04-22. Review status: criteria provided, single submitter. Criteria: Invitae Variant Classification Sherloc (09022015). Collection method: clinical testing. Allele origin: germline.
Comment: This sequence change creates a premature translational stop signal (p.Gln1019*) in the CACNA1H gene. It is expected to result in an absent or disrupted protein product. However, the current clinical and genetic evidence is not sufficient to establish whether loss-of-function variants in CACNA1H cause disease. This variant is present in population databases (no rsID available, gnomAD 0.003%). This variant has not been reported in the literature in individuals affected with CACNA1H-related conditions. In summary, the available evidence is currently insufficient to determine the role of this variant in disease. Therefore, it has been classified as a Variant of Uncertain Significance.